The following is an entry in ClinVar:

ClinVar aggregate classification (germline): Pathogenic (1 of 4 stars; one submission).

Conditions:
Breast-ovarian cancer, familial, susceptibility to, 3. Also called: RAD51C-Related Breast/Ovarian Cancer. Identifiers: Orphanet 145, MedGen C3150659, MONDO:0013253, OMIM 613399.

Submission:

Myriad Genetics, Inc.
Classification: Pathogenic for Breast-ovarian cancer, familial, susceptibility to, 3. Last evaluated: 2024-01-03. Review status: criteria provided, single submitter. Criteria: Myriad Autosomal Dominant, Autosomal Recessive and X-Linked Classification Criteria (2023). Collection method: clinical testing. Allele origin: unknown.
Comment: This variant is considered pathogenic. This variant creates a termination codon and is predicted to result in premature protein truncation.

NM_058216.3(RAD51C):c.630T>A (p.Tyr210Ter)

Genes: RAD51C (RAD51 paralog C; plus strand), LOC129390903 (MPRA-validated peak2919 silencer; plus strand). Cytogenetic location: 17q22.
Variant type: single nucleotide variant.
Coding change: c.630T>A on transcript NM_058216.3 (MANE Select); coding-DNA position 630, T replaced by A.
Protein change: p.Tyr210Ter; replaces tyrosine 210 with a stop codon.
Molecular consequence: nonsense. On other transcripts: non-coding transcript variant (1).
Genome position (GRCh38, 1-based): chr17:58,703,254, T>A. VCF-style: chr17-58703254-T-A. GRCh37 (hg19) VCF-style: chr17-56780615-T-A.
Other names: c.*58T>A (NM_058217.1); short protein forms Y210*.
Identifiers: ClinVar variation 3148029 (VCV003148029.1), dbSNP rs786201909, ClinGen allele CA400349466.